The following is an entry in ClinVar:

NM_004415.4(DSP):c.8525G>A (p.Arg2842His)

Gene: DSP (desmoplakin; plus strand). Cytogenetic location: 6p24.3.
Variant type: single nucleotide variant.
Coding change: c.8525G>A on transcript NM_004415.4 (MANE Select); coding-DNA position 8525, G replaced by A.
Protein change: p.Arg2842His; replaces arginine 2842 with histidine.
Molecular consequence: missense variant.
Genome position (GRCh38, 1-based): chr6:7,585,787, G>A. VCF-style: chr6-7585787-G-A. GRCh37 (hg19) VCF-style: chr6-7586020-G-A.
Other names: c.6728G>A, p.Arg2243His (NM_001008844.3); c.7196G>A, p.Arg2399His (NM_001319034.2); short protein forms R2399H, R2243H, R2842H.
Identifiers: ClinVar variation 2013171 (VCV002013171.7), dbSNP rs1581827020, ClinGen allele CA362695308.

ClinVar aggregate classification (germline): Uncertain significance. Review status: criteria provided, multiple submitters, no conflicts (2 of 4 stars). 3 submissions from 3 submitters: Uncertain significance (3). Last evaluated 2024-05-14.

Conditions:
Cardiomyopathy (CMYO). Also called: Cardiomyopathies. Identifiers: Orphanet 167848, MedGen C0878544, MONDO:0004994, HP:0001638. Inheritance: Various modes of inheritance.
Arrhythmogenic cardiomyopathy with wooly hair and keratoderma. Also called: Carvajal syndrome; Dilated cardiomyopathy with woolly hair and keratoderma; Arrhythmogenic cardiomyopathy with woolly hair and keratoderma; PALMOPLANTAR KERATODERMA WITH LEFT VENTRICULAR CARDIOMYOPATHY AND WOOLLY HAIR. Identifiers: Orphanet 65282, MedGen C1854063, MONDO:0011581, OMIM 605676.
Arrhythmogenic right ventricular dysplasia 8 (ARVD8). Also called: Arrhythmogenic Right Ventricular Dysplasia/Cardiomyopathy 8; ARRHYTHMOGENIC RIGHT VENTRICULAR DYSPLASIA, FAMILIAL, 8; ARRHYTHMOGENIC RIGHT VENTRICULAR CARDIOMYOPATHY 8. Identifiers: MedGen C1843896, MONDO:0011831, OMIM 607450.
Lethal acantholytic epidermolysis bullosa (EBLA). Identifiers: Orphanet 158687, MedGen C1864826, MONDO:0012323, OMIM 609638.
Keratosis palmoplantaris striata 2. Also called: KERATODERMA, PALMOPLANTAR, STRIATE FORM II; STRIATE PALMOPLANTAR KERATODERMA II; Keratosis palmoplantaris striata II. Identifiers: MedGen C1852127, MONDO:0013034, OMIM 612908.
Cardiomyopathy, dilated, with wooly hair, keratoderma, and tooth agenesis. Also called: Erythrokeratodermia-cardiomyopathy syndrome; Cardiomyopathy, dilated, with woolly hair, keratoderma, and tooth agenesis. Identifiers: Orphanet 476096, Orphanet 65282, MedGen C4014393, MONDO:0014355, OMIM 615821.

Allele frequency attached by ClinVar (database versions not stated): TOPMed below 0.00001; gnomAD 0.00001; gnomAD exomes 0.00001.
gnomAD v4.1: 11 of 1,609,460 alleles (0.00068%); highest among the groups gnomAD compares: Non-Finnish European, 0.00093%; no homozygotes.

Submissions (3):

Fulgent Genetics
Classification: Uncertain significance for Arrhythmogenic cardiomyopathy with wooly hair and keratoderma; Arrhythmogenic right ventricular dysplasia 8; Lethal acantholytic epidermolysis bullosa; Keratosis palmoplantaris striata 2; Cardiomyopathy, dilated, with wooly hair, keratoderma, and tooth agenesis. Last evaluated: 2024-05-14. Review status: criteria provided, single submitter. Criteria: ACMG Guidelines, 2015. Collection method: clinical testing. Allele origin: germline.

Color Diagnostics, LLC DBA Color Health
Classification: Uncertain significance for Cardiomyopathy. Last evaluated: 2024-03-07. Review status: criteria provided, single submitter. Criteria: ACMG Guidelines, 2015. Collection method: clinical testing. Allele origin: germline.
Comment: This missense variant replaces arginine with histidine at codon 2842 of the DSP protein. Computational prediction suggests that this variant may not impact protein structure and function (internally defined REVEL score threshold <= 0.5, PMID: 27666373). To our knowledge, functional studies have not been reported for this variant. This variant has not been reported in individuals affected with cardiovascular disorders in the literature. This variant has not been identified in the general population by the Genome Aggregation Database (gnomAD). The available evidence is insufficient to determine the role of this variant in disease conclusively. Therefore, this variant is classified as a Variant of Uncertain Significance.

Labcorp Genetics (formerly Invitae), Labcorp
Classification: Uncertain significance for Arrhythmogenic cardiomyopathy with wooly hair and keratoderma; Arrhythmogenic right ventricular dysplasia 8. Last evaluated: 2022-07-02. Review status: criteria provided, single submitter. Criteria: Invitae Variant Classification Sherloc (09022015). Collection method: clinical testing. Allele origin: germline.
Comment: In summary, the available evidence is currently insufficient to determine the role of this variant in disease. Therefore, it has been classified as a Variant of Uncertain Significance. Algorithms developed to predict the effect of missense changes on protein structure and function are either unavailable or do not agree on the potential impact of this missense change (SIFT: "Deleterious"; PolyPhen-2: "Benign"; Align-GVGD: "Class C25"). This variant has not been reported in the literature in individuals affected with DSP-related conditions. This variant is not present in population databases (gnomAD no frequency). This sequence change replaces arginine, which is basic and polar, with histidine, which is basic and polar, at codon 2842 of the DSP protein (p.Arg2842His).